The following is an entry in ClinVar:

NM_138694.4(PKHD1):c.5751+1G>C

Gene: PKHD1 (PKHD1 ciliary IPT domain containing fibrocystin/polyductin; minus strand). Cytogenetic location: 6p12.2.
Variant type: single nucleotide variant.
Coding change: c.5751+1G>C on transcript NM_138694.4 (MANE Select); the canonical splice donor site of the intron after coding-DNA position 5751, G replaced by C.
Molecular consequence: splice donor variant.
Genome position (GRCh38, 1-based): chr6:52,010,308, C>G on the plus strand (G>C on the coding strand, the complement: PKHD1 is on the minus strand). VCF-style: chr6-52010308-C-G. GRCh37 (hg19) VCF-style: chr6-51875106-C-G.
Other names: c.5751+1G>C (NM_170724.3).
Identifiers: ClinVar variation 4796622 (VCV004796622.1).

ClinVar aggregate classification (germline): Pathogenic (1 of 4 stars; one submission).

Conditions:
Polycystic kidney disease 4 (PKD4). Also called: POLYCYSTIC KIDNEY AND HEPATIC DISEASE 1; POLYCYSTIC KIDNEY DISEASE, INFANTILE, TYPE I; POLYCYSTIC KIDNEY DISEASE 4 WITH OR WITHOUT POLYCYSTIC LIVER DISEASE; PKD3; Autosomal Recessive Polycystic Kidney Disease – PKHD1. Identifiers: MedGen C4540575, MONDO:0033004, OMIM 263200.

Submission:

Juno Genomics, Hangzhou Juno Genomics, Inc
Classification: Pathogenic for Polycystic kidney disease 4. Review status: criteria provided, single submitter. Criteria: ACMG Guidelines, 2015. Collection method: clinical testing. Allele origin: germline. Affected: yes.
Comment: Absent from controls (or at extremely low frequency if recessive) in Genome Aggregation Database, Exome Sequencing Project, 1000 Genomes Project, or Exome Aggregation Consortium.;Null variant in a gene where loss of function (LOF) is a known mechanism of disease.;For recessive disorders, detected in trans with a pathogenic variant.;Patient's phenotype or family history is highly specific for a disease with a single genetic etiology.